The following is an entry in ClinVar:

NM_001374828.1(ARID1B):c.3053dup (p.Val1019fs)

Gene: ARID1B (AT-rich interaction domain 1B; plus strand). Cytogenetic location: 6q25.3.
Variant type: Duplication.
Coding change: c.3053dup on transcript NM_001374828.1 (MANE Select); coding-DNA position 3053, one base duplicated (C; older notation c.3053dupC).
Protein change: p.Val1019fs; shifts the reading frame from valine 1019.
Molecular consequence: frameshift variant.
Genome position (GRCh38, 1-based): chr6:157,148,915, C duplicated. VCF-style (leftmost placement, unchanged base first): chr6-157148914-G-GC. GRCh37 (hg19) VCF-style: chr6-157470048-G-GC.
Other names: c.2843dupC (NM_020732.3); c.554dup, p.Val186fs (NM_001363725.2); c.3092dup, p.Val1032fs (NM_001371656.1, NM_001374820.1); c.3053dup, p.Val1019fs (NM_017519.3); short protein forms V186fs, V1019fs, V1032fs.
Identifiers: ClinVar variation 3129397 (VCV003129397.1), dbSNP rs2537891534, ClinGen allele CA2825001473.

ClinVar aggregate classification (germline): Pathogenic (1 of 4 stars; one submission).

Conditions:
Inborn genetic diseases. Identifiers: MedGen C0950123, MeSH D030342.

Submission:

Ambry Genetics
Classification: Pathogenic for Inborn genetic diseases. Last evaluated: 2023-12-12. Review status: criteria provided, single submitter. Criteria: Ambry Variant Classification Scheme 2023. Collection method: clinical testing. Allele origin: germline.
Comment: The c.2843dupC (p.V949Sfs*40) alteration, located in exon 9 (coding exon 9) of the ARID1B gene, consists of a duplication of C at position 2843, causing a translational frameshift with a predicted alternate stop codon after 40 amino acids. This alteration is expected to result in loss of function by premature protein truncation or nonsense-mediated mRNA decay. This variant was not reported in population-based cohorts in the Genome Aggregation Database (gnomAD). Based on the available evidence, this alteration is classified as pathogenic.